The following is an entry in ClinVar:

ClinVar aggregate classification (germline): Benign/Likely benign. Review status: criteria provided, multiple submitters, no conflicts (2 of 4 stars). 3 submissions from 3 submitters: Benign (1); Likely benign (1). 1 of the submissions does not count toward it. Last evaluated 2025-11-19.

Conditions:
MACF1-related disorder. Also called: MACF1-related condition.

Allele frequency attached by ClinVar (database versions not stated): gnomAD 0.00050; TOPMed 0.00051; ESP Exome Variant Server 0.00062; ExAC 0.00064; gnomAD exomes 0.00088; 1000 Genomes Project 30x 0.00109; 1000 Genomes Project 0.00120.
gnomAD v4.1: 1,345 of 1,613,926 alleles (0.083%); highest among the groups gnomAD compares: South Asian, 0.14%; 2 homozygotes.

Submissions (3):

Labcorp Genetics (formerly Invitae), Labcorp
Classification: Benign. Last evaluated: 2025-11-19. Review status: criteria provided, single submitter. Criteria: Invitae Variant Classification Sherloc (09022015). Collection method: clinical testing. Allele origin: germline.

Blueprint Genetics
Classification: Likely benign. Last evaluated: 2024-11-18. Review status: criteria provided, single submitter. Criteria: ACMG Guidelines, 2015. Collection method: clinical testing. Allele origin: germline.

PreventionGenetics, part of Exact Sciences
Classification: Likely benign for MACF1-related condition. Last evaluated: 2023-09-25. Review status: no assertion criteria provided. Collection method: clinical testing. Allele origin: germline. Not counted in ClinVar's aggregate classification.
Comment: This variant is classified as likely benign based on ACMG/AMP sequence variant interpretation guidelines (Richards et al. 2015 PMID: 25741868, with internal and published modifications).

NM_001394062.1(MACF1):c.12043G>A (p.Ala4015Thr)

Genes: MACF1 (microtubule actin crosslinking factor 1; plus strand), LOC126805711 (CDK7 strongly-dependent group 2 enhancer GRCh37_chr1:39824023-39825222; plus strand). Cytogenetic location: 1p34.3.
Variant type: single nucleotide variant.
Coding change: c.12043G>A on transcript NM_001394062.1 (MANE Select); coding-DNA position 12043, G replaced by A.
Protein change: p.Ala4015Thr; replaces alanine 4015 with threonine.
Molecular consequence: missense variant.
Genome position (GRCh38, 1-based): chr1:39,358,796, G>A. VCF-style: chr1-39358796-G-A. GRCh37 (hg19) VCF-style: chr1-39824468-G-A.
Other names: c.5857G>A, p.Ala1953Thr (NM_012090.5); short protein forms A1953T, A4015T.
Identifiers: ClinVar variation 2702117 (VCV002702117.6), dbSNP rs144873442, ClinGen allele CA781720.